The following is an entry in ClinVar:

NM_000313.4(PROS1):c.965+10C>A

Gene: PROS1 (protein S; minus strand). Cytogenetic location: 3q11.1.
Variant type: single nucleotide variant.
Coding change: c.965+10C>A on transcript NM_000313.4 (MANE Select); 10 bases into the intron after coding-DNA position 965, C replaced by A.
Molecular consequence: intron variant.
Genome position (GRCh38, 1-based): chr3:93,896,566, G>T on the plus strand (C>A on the coding strand, the complement: PROS1 is on the minus strand). VCF-style: chr3-93896566-G-T. GRCh37 (hg19) VCF-style: chr3-93615410-G-T.
Other names: p.?; c.1061+10C>A (NM_001314077.2).
Identifiers: ClinVar variation 2897755 (VCV002897755.4), dbSNP rs755507167, ClinGen allele CA2503319.

ClinVar aggregate classification (germline): Likely benign. Review status: criteria provided, multiple submitters, no conflicts (2 of 4 stars). 2 submissions from 2 submitters: Likely benign (2). Last evaluated 2025-03-16.

Conditions:
Thrombophilia due to protein S deficiency, autosomal recessive (THPH6). Identifiers: Orphanet 743, MedGen C3281092, MONDO:0013791, OMIM 614514. Disease mechanism: loss of function.

Allele frequency attached by ClinVar (database versions not stated): TOPMed 0.00001.
gnomAD v4.1: 14 of 1,570,544 alleles (0.00089%); highest among the groups gnomAD compares: Non-Finnish European, 0.0011%; no homozygotes.

Submissions (2):

Labcorp Genetics (formerly Invitae), Labcorp
Classification: Likely benign for Thrombophilia due to protein S deficiency, autosomal recessive. Last evaluated: 2025-03-16. Review status: criteria provided, single submitter. Criteria: Invitae Variant Classification Sherloc (09022015). Collection method: clinical testing. Allele origin: germline.

Mayo Clinic Laboratories, Mayo Clinic
Classification: Likely benign. Last evaluated: 2025-01-14. Review status: criteria provided, single submitter. Criteria: ACMG Guidelines, 2015. Collection method: clinical testing. Allele origin: germline. Observed: 1 variant allele.
Comment: BP4, BP7, PM2_supporting